The following is an entry in ClinVar:

ClinVar aggregate classification (germline): Conflicting classifications of pathogenicity. Review status: criteria provided, conflicting classifications (1 of 4 stars). 3 submissions from 3 submitters: Uncertain significance (2); Likely benign (1). Last evaluated 2026-01-12.

Conditions:
Arrhythmogenic right ventricular cardiomyopathy (ARVD). Also called: Cardiomyopathy, ARVC; Arrhythmogenic cardiomyopathy; Arrhythmogenic Right Ventricular Cardiomyopathy (ARVC); Arrhythmogenic right ventricular dysplasia. Identifiers: Orphanet 247, MedGen C0349788, MeSH D019571, MONDO:0016587. Disease mechanism: loss of function. Inheritance: Various modes of inheritance.
Cardiovascular phenotype. Identifiers: MedGen CN230736.
Arrhythmogenic right ventricular dysplasia 10. Also called: ARRHYTHMOGENIC RIGHT VENTRICULAR DYSPLASIA, FAMILIAL, 10; Arrhythmogenic Right Ventricular Dysplasia/Cardiomyopathy10; Arrhythmogenic right ventricular dysplasia/cardiomyopathy, type 10. Identifiers: MedGen C1857777, MONDO:0012434, OMIM 610193.

Allele frequency attached by ClinVar (database versions not stated): gnomAD exomes below 0.00001; gnomAD 0.00001.
gnomAD v4.1: 3 of 1,572,642 alleles (0.00019%); highest among the groups gnomAD compares: African/African-American, 0.0042%; no homozygotes.

Submissions (3):

Ambry Genetics
Classification: Likely benign for Cardiovascular phenotype. Last evaluated: 2026-01-12. Review status: criteria provided, single submitter. Criteria: Ambry Variant Classification Scheme 2023. Collection method: clinical testing. Allele origin: germline.

Labcorp Genetics (formerly Invitae), Labcorp
Classification: Uncertain significance for Arrhythmogenic right ventricular dysplasia 10. Last evaluated: 2026-01-11. Review status: criteria provided, single submitter. Criteria: Invitae Variant Classification Sherloc (09022015). Collection method: clinical testing. Allele origin: germline.
Comment: This sequence change replaces alanine, which is neutral and non-polar, with threonine, which is neutral and polar, at codon 766 of the DSG2 protein (p.Ala766Thr). This variant is not present in population databases (gnomAD no frequency). This variant has not been reported in the literature in individuals affected with DSG2-related conditions. ClinVar contains an entry for this variant (Variation ID: 2084035). Invitae Evidence Modeling of protein sequence and biophysical properties (such as structural, functional, and spatial information, amino acid conservation, physicochemical variation, residue mobility, and thermodynamic stability) indicates that this missense variant is not expected to disrupt DSG2 protein function with a negative predictive value of 95%. In summary, the available evidence is currently insufficient to determine the role of this variant in disease. Therefore, it has been classified as a Variant of Uncertain Significance.

All of Us Research Program, National Institutes of Health
Classification: Uncertain significance for Arrhythmogenic right ventricular cardiomyopathy. Last evaluated: 2023-12-13. Review status: criteria provided, single submitter. Criteria: ACMG Guidelines, 2015. Collection method: clinical testing. Allele origin: germline. Inheritance: Autosomal dominant inheritance. Observed: 3 variant alleles, 3 heterozygotes.
Comment: This missense variant replaces alanine with threonine at codon 766 of the DSG2 protein. Computational prediction suggests that this variant may not impact protein structure and function (internally defined REVEL score threshold <= 0.5, PMID: 27666373). To our knowledge, functional studies have not been reported for this variant. This variant has not been reported in individuals affected with cardiovascular disorders in the literature. This variant has not been identified in the general population by the Genome Aggregation Database (gnomAD). The available evidence is insufficient to determine the role of this variant in disease conclusively. Therefore, this variant is classified as a Variant of Uncertain Significance.

This study involves interpretation of variants in research participants for the purpose of population health screening. Participant phenotype was not available at the time of variant classification. Additional details can be found in publication PMID: 35346344, PMCID: PMC8962531

NM_001943.5(DSG2):c.2296G>A (p.Ala766Thr)

Genes: DSG2 (desmoglein 2; plus strand), DSG2-AS1 (DSG2 antisense RNA 1; minus strand). Cytogenetic location: 18q12.1.
Variant type: single nucleotide variant.
Coding change: c.2296G>A on transcript NM_001943.5 (MANE Select); coding-DNA position 2296, G replaced by A.
Protein change: p.Ala766Thr; replaces alanine 766 with threonine.
Molecular consequence: missense variant.
Genome position (GRCh38, 1-based): chr18:31,542,814, G>A. VCF-style: chr18-31542814-G-A. GRCh37 (hg19) VCF-style: chr18-29122777-G-A.
Other names: short protein forms A766T.
Identifiers: ClinVar variation 2084035 (VCV002084035.4), dbSNP rs1304173482, ClinGen allele CA402143090.
Genomic context (GRCh38, chr18:31,542,814, plus strand): 5'-AAGACCGCAAGGGCCACAGGGGCTTCCAGAGACATGGCCGGAGCTCAGGCAGCTGCTGTT[G>A]CACTGAACGAAGAATTCTTAAGAAATTATTTCACTGATGTAAGGATGAGTTTTATGTATT-3'
Protein context (NP_001934.2, residues 756-776): DMAGAQAAAV[Ala766Thr]LNEEFLRNYF